The following is an entry in ClinVar:

NM_001032382.2(PQBP1):c.99T>C (p.Tyr33=)

Gene: PQBP1 (polyglutamine binding protein 1; plus strand). Cytogenetic location: Xp11.23.
Variant type: single nucleotide variant.
Coding change: c.99T>C on transcript NM_001032382.2 (MANE Select); coding-DNA position 99, T replaced by C.
Protein change: p.Tyr33=; no amino-acid change (tyrosine 33 retained).
Molecular consequence: synonymous variant.
Genome position (GRCh38, 1-based): chrX:48,901,221, T>C. VCF-style: chrX-48901221-T-C. GRCh37 (hg19) VCF-style: chrX-48758498-T-C.
Other names: c.99T>C, p.Tyr33= (NM_001032381.2, NM_001032383.2, NM_001032384.1 and 5 more transcripts).
Identifiers: ClinVar variation 2660483 (VCV002660483.24), dbSNP rs2519603861, ClinGen allele CA516031016.
Genomic context (GRCh38, chrX:48,901,221, plus strand): 5'-CTCTCCTCATCCCCACCTTGTTCTACCAGAACCAGAGGAAGAGATCATTGCCGAGGACTA[T>C]GACGATGATCCTGTGGACTACGAGGCCACCAGGTTGGAGGGCCTACCACCAAGCTGGTAC-3'
Protein context (NP_001027554.1, residues 23-43): EPEEEIIAED[Tyr33=]DDDPVDYEAT

ClinVar aggregate classification (germline): Likely benign (1 of 4 stars; one submission).

Submission:

CeGaT Center for Human Genetics Tuebingen
Classification: Likely benign. Last evaluated: 2022-09-01. Review status: criteria provided, single submitter. Criteria: CeGaT Center For Human Genetics Tuebingen Variant Classification Criteria Version 2. Collection method: clinical testing. Allele origin: germline. Affected: yes. Observed: 1 variant allele.
Comment: PQBP1: PM2:Supporting, BP4, BP7